The following is an entry in ClinVar:

ClinVar aggregate classification (germline): Uncertain significance (1 of 4 stars; one submission).

Submission:

Greenwood Genetic Center Diagnostic Laboratories, Greenwood Genetic Center
Classification: Uncertain significance. Last evaluated: 2025-10-24. Review status: criteria provided, single submitter. Criteria: ACMG Guidelines, 2015. Collection method: clinical testing. Allele origin: germline. Affected: yes.
Comment: PM2, PP2

NM_016188.5(ACTL6B):c.313A>G (p.Ser105Gly)

Gene: ACTL6B (actin like 6B; minus strand). Cytogenetic location: 7q22.1.
Variant type: single nucleotide variant.
Coding change: c.313A>G on transcript NM_016188.5 (MANE Select); coding-DNA position 313, A replaced by G.
Protein change: p.Ser105Gly; replaces serine 105 with glycine.
Molecular consequence: missense variant. On other transcripts: non-coding transcript variant (1).
Genome position (GRCh38, 1-based): chr7:100,655,075, T>C on the plus strand (A>G on the coding strand, the complement: ACTL6B is on the minus strand). VCF-style: chr7-100655075-T-C. GRCh37 (hg19) VCF-style: chr7-100252698-T-C.
Other names: short protein forms S105G.
Identifiers: ClinVar variation 4845603 (VCV004845603.1).